The following is an entry in ClinVar:

NM_001194998.2(CEP152):c.644G>A (p.Ser215Asn)

Gene: CEP152 (centrosomal protein 152; minus strand). Cytogenetic location: 15q21.1.
Variant type: single nucleotide variant.
Coding change: c.644G>A on transcript NM_001194998.2 (MANE Select); coding-DNA position 644, G replaced by A.
Protein change: p.Ser215Asn; replaces serine 215 with asparagine.
Molecular consequence: missense variant.
Genome position (GRCh38, 1-based): chr15:48,796,057, C>T on the plus strand (G>A on the coding strand, the complement: CEP152 is on the minus strand). VCF-style: chr15-48796057-C-T. GRCh37 (hg19) VCF-style: chr15-49088254-C-T.
Other names: c.644G>A (NM_001194998.1); c.644G>A, p.Ser215Asn (NM_014985.4); short protein forms S215N.
Identifiers: ClinVar variation 316431 (VCV000316431.25), dbSNP rs200957146, ClinGen allele CA7549074.

ClinVar aggregate classification (germline): Conflicting classifications of pathogenicity. Review status: criteria provided, conflicting classifications (1 of 4 stars). 9 submissions from 8 submitters: Uncertain significance (2); Benign (1); Likely benign (3). 3 of the submissions do not count toward it. Last evaluated 2025-07-30.

Conditions:
CEP152-related disorder. Also called: CEP152-related condition; CEP152-related disorders. Identifiers: MedGen CN239248.
Inborn genetic diseases. Identifiers: MedGen C0950123, MeSH D030342.
Seckel syndrome 5 (SCKL5). Identifiers: Orphanet 808, MedGen C3151187, MONDO:0013443, OMIM 613823.
Microcephaly 9, primary, autosomal recessive. Identifiers: Orphanet 2512, MedGen C3553886, MONDO:0013923, OMIM 614852.

Allele frequency attached by ClinVar (database versions not stated): gnomAD exomes 0.00011 and 0.00026; ExAC 0.00027; ESP Exome Variant Server 0.00101; gnomAD 0.00113 and 0.00118; 1000 Genomes Project 0.00120; TOPMed 0.00123; 1000 Genomes Project 30x 0.00156.

Submissions (9):

Labcorp Genetics (formerly Invitae), Labcorp
Classification: Benign. Last evaluated: 2025-07-30. Review status: criteria provided, single submitter. Criteria: Invitae Variant Classification Sherloc (09022015). Collection method: clinical testing. Allele origin: germline.

Ambry Genetics
Classification: Likely benign for Inborn genetic diseases. Last evaluated: 2022-06-13. Review status: criteria provided, single submitter. Criteria: Ambry Variant Classification Scheme 2023. Collection method: clinical testing. Allele origin: germline.

GeneDx
Classification: Likely benign. Last evaluated: 2019-07-01. Review status: criteria provided, single submitter. Criteria: GeneDx Variant Classification Process June 2021. Collection method: clinical testing. Allele origin: germline. Affected: yes.

Illumina Laboratory Services, Illumina
Classification: Uncertain significance for Microcephaly 9, primary, autosomal recessive. Last evaluated: 2018-01-13. Review status: criteria provided, single submitter. Criteria: ICSL Variant Classification Criteria 13 December 2019. Collection method: clinical testing. Allele origin: germline.

Illumina Laboratory Services, Illumina
Classification: Uncertain significance for Seckel syndrome 5. Last evaluated: 2018-01-13. Review status: criteria provided, single submitter. Criteria: ICSL Variant Classification Criteria 13 December 2019. Collection method: clinical testing. Allele origin: germline.

Eurofins Ntd Llc (ga)
Classification: Likely benign. Last evaluated: 2017-06-13. Review status: criteria provided, single submitter. Criteria: EGL Classification Definitions 2015. Collection method: clinical testing. Allele origin: germline. Observed: 1 variant allele, 1 heterozygote.

PreventionGenetics, part of Exact Sciences
Classification: Likely benign for CEP152-related condition. Last evaluated: 2023-02-24. Review status: no assertion criteria provided. Collection method: clinical testing. Allele origin: germline. Not counted in ClinVar's aggregate classification.
Comment: This variant is classified as likely benign based on ACMG/AMP sequence variant interpretation guidelines (Richards et al. 2015 PMID: 25741868, with internal and published modifications).

Clinical Genetics DNA and cytogenetics Diagnostics Lab, Erasmus MC, Erasmus Medical Center
Classification: Likely benign. Review status: no assertion criteria provided. Collection method: clinical testing. Allele origin: germline. Affected: yes. Study: VKGL Data-share Consensus. Not counted in ClinVar's aggregate classification.

Laboratory of Diagnostic Genome Analysis, Leiden University Medical Center (LUMC)
Classification: Likely benign. Review status: no assertion criteria provided. Collection method: clinical testing. Allele origin: germline. Affected: yes. Study: VKGL Data-share Consensus. Not counted in ClinVar's aggregate classification.